The following is an entry in ClinVar:

ClinVar aggregate classification (germline): Uncertain significance (1 of 4 stars; one submission).

Submission:

Labcorp Genetics (formerly Invitae), Labcorp
Classification: Uncertain significance. Last evaluated: 2024-02-05. Review status: criteria provided, single submitter. Criteria: Invitae Variant Classification Sherloc (09022015). Collection method: clinical testing. Allele origin: germline.
Comment: This sequence change replaces serine, which is neutral and polar, with proline, which is neutral and non-polar, at codon 693 of the ACAN protein (p.Ser693Pro). This variant is not present in population databases (gnomAD no frequency). This variant has not been reported in the literature in individuals affected with ACAN-related conditions. ClinVar contains an entry for this variant (Variation ID: 2001288). Advanced modeling of protein sequence and biophysical properties (such as structural, functional, and spatial information, amino acid conservation, physicochemical variation, residue mobility, and thermodynamic stability) performed at Invitae indicates that this missense variant is not expected to disrupt ACAN protein function with a negative predictive value of 80%. In summary, the available evidence is currently insufficient to determine the role of this variant in disease. Therefore, it has been classified as a Variant of Uncertain Significance.

NM_001369268.1(ACAN):c.2077T>C (p.Ser693Pro)

Gene: ACAN (aggrecan; plus strand). Cytogenetic location: 15q26.1.
Variant type: single nucleotide variant.
Coding change: c.2077T>C on transcript NM_001369268.1 (MANE Select); coding-DNA position 2077, T replaced by C.
Protein change: p.Ser693Pro; replaces serine 693 with proline.
Molecular consequence: missense variant.
Genome position (GRCh38, 1-based): chr15:88,851,844, T>C. VCF-style: chr15-88851844-T-C. GRCh37 (hg19) VCF-style: chr15-89395075-T-C.
Other names: c.2077T>C, p.Ser693Pro (NM_001135.4, NM_001411096.1, NM_001411097.1 and 1 more transcripts); short protein forms S693P.
Identifiers: ClinVar variation 2001288 (VCV002001288.4), dbSNP rs2505294934, ClinGen allele CA393713817.